The following is an entry in ClinVar:

ClinVar aggregate classification (germline): Likely pathogenic (1 of 4 stars; one submission).

Submission:

Labcorp Genetics (formerly Invitae), Labcorp
Classification: Likely pathogenic. Last evaluated: 2022-03-10. Review status: criteria provided, single submitter. Criteria: Invitae Variant Classification Sherloc (09022015). Collection method: clinical testing. Allele origin: germline.
Comment: In summary, the currently available evidence indicates that the variant is pathogenic, but additional data are needed to prove that conclusively. Therefore, this variant has been classified as Likely Pathogenic. This sequence change replaces glutamic acid, which is acidic and polar, with lysine, which is basic and polar, at codon 453 of the CNGA3 protein (p.Glu453Lys). This variant is not present in population databases (gnomAD no frequency). This missense change has been observed in individual(s) with achromatopsia (Invitae). In at least one individual the data is consistent with being in trans (on the opposite chromosome) from a pathogenic variant. Advanced modeling of protein sequence and biophysical properties (such as structural, functional, and spatial information, amino acid conservation, physicochemical variation, residue mobility, and thermodynamic stability) performed at Invitae indicates that this missense variant is expected to disrupt CNGA3 protein function.

NM_001298.3(CNGA3):c.1357G>A (p.Glu453Lys)

Gene: CNGA3 (cyclic nucleotide gated channel subunit alpha 3; plus strand). Cytogenetic location: 2q11.2.
Variant type: single nucleotide variant.
Coding change: c.1357G>A on transcript NM_001298.3 (MANE Select); coding-DNA position 1357, G replaced by A.
Protein change: p.Glu453Lys; replaces glutamic acid 453 with lysine.
Molecular consequence: missense variant.
Genome position (GRCh38, 1-based): chr2:98,396,527, G>A. VCF-style: chr2-98396527-G-A. GRCh37 (hg19) VCF-style: chr2-99012990-G-A.
Other names: c.1303G>A, p.Glu435Lys (NM_001079878.2); short protein forms E453K, E435K.
Identifiers: ClinVar variation 1483978 (VCV001483978.8), dbSNP rs2104248036, ClinGen allele CA347833384.